The following is an entry in ClinVar:

ClinVar aggregate classification (germline): Uncertain significance (1 of 4 stars; one submission).

Submission:

Women's Health and Genetics/Laboratory Corporation of America, LabCorp
Classification: Uncertain significance. Last evaluated: 2026-02-02. Review status: criteria provided, single submitter. Criteria: LabCorp Variant Classification Summary - May 2015. Collection method: clinical testing. Allele origin: germline.
Comment: Variant summary: ACTA2 c.968C>A (p.Ala323Glu) results in a non-conservative amino acid change in the encoded protein sequence. Algorithms developed to predict the effect of missense changes on protein structure and function all suggest that this variant is likely to be disruptive. The variant was absent in 250928 control chromosomes. The available data on variant occurrences in the general population are insufficient to allow any conclusion about variant significance. To our knowledge, no occurrence of c.968C>A in individuals affected with ACTA2-related conditions and no experimental evidence demonstrating its impact on protein function have been reported. No submitters have cited clinical-significance assessments for this variant to ClinVar. Based on the evidence outlined above, the variant was classified as uncertain significance.

NM_001613.4(ACTA2):c.968C>A (p.Ala323Glu)

Genes: ACTA2 (actin alpha 2, smooth muscle; minus strand), ACTA2-AS1 (ACTA2 antisense RNA 1; plus strand). Cytogenetic location: 10q23.31.
Variant type: single nucleotide variant.
Coding change: c.968C>A on transcript NM_001613.4 (MANE Select); coding-DNA position 968, C replaced by A.
Protein change: p.Ala323Glu; replaces alanine 323 with glutamic acid.
Molecular consequence: missense variant.
Genome position (GRCh38, 1-based): chr10:88,938,083, G>T on the plus strand (C>A on the coding strand, the complement: ACTA2 is on the minus strand). VCF-style: chr10-88938083-G-T. GRCh37 (hg19) VCF-style: chr10-90697840-G-T.
Other names: c.968C>A, p.Ala323Glu (NM_001141945.3, NM_001320855.2, NM_001406462.1 and 2 more transcripts); c.857C>A, p.Ala286Glu (NM_001406466.1); c.839C>A, p.Ala280Glu (NM_001406467.1, NM_001406468.1, NM_001406469.1); c.776C>A, p.Ala259Glu (NM_001406471.1); short protein forms A259E, A280E, A286E, A323E.
Identifiers: ClinVar variation 4848131 (VCV004848131.1).